The following is an entry in ClinVar:

NM_000170.3(GLDC):c.2159A>G (p.His720Arg)

Gene: GLDC (glycine decarboxylase; minus strand). Cytogenetic location: 9p24.1.
Variant type: single nucleotide variant.
Coding change: c.2159A>G on transcript NM_000170.3 (MANE Select); coding-DNA position 2159, A replaced by G.
Protein change: p.His720Arg; replaces histidine 720 with arginine.
Molecular consequence: missense variant.
Genome position (GRCh38, 1-based): chr9:6,556,196, T>C on the plus strand (A>G on the coding strand, the complement: GLDC is on the minus strand). VCF-style: chr9-6556196-T-C. GRCh37 (hg19) VCF-style: chr9-6556196-T-C.
Other names: short protein forms H720R.
Identifiers: ClinVar variation 2183473 (VCV002183473.2), dbSNP rs1377840004, ClinGen allele CA372881247.

ClinVar aggregate classification (germline): Uncertain significance (1 of 4 stars; one submission).

Conditions:
Glycine encephalopathy. Also called: Nonketotic hyperglycinemia; Non-ketotic hyperglycinemia. Identifiers: Orphanet 407, MedGen C0751748, MONDO:0011612, HP:0008288.

Allele frequency attached by ClinVar (database versions not stated): gnomAD 0.00001; gnomAD exomes 0.00001; TOPMed 0.00001.
gnomAD v4.1: 17 of 1,613,278 alleles (0.0011%); highest among the groups gnomAD compares: Admixed American, 0.0017%; no homozygotes.

Submission:

Labcorp Genetics (formerly Invitae), Labcorp
Classification: Uncertain significance for Glycine encephalopathy. Last evaluated: 2025-06-07. Review status: criteria provided, single submitter. Criteria: Invitae Variant Classification Sherloc (09022015). Collection method: clinical testing. Allele origin: germline.
Comment: This sequence change replaces histidine, which is basic and polar, with arginine, which is basic and polar, at codon 720 of the GLDC protein (p.His720Arg). This variant is present in population databases (no rsID available, gnomAD 0.0009%). This variant has not been reported in the literature in individuals affected with GLDC-related conditions. ClinVar contains an entry for this variant (Variation ID: 2183473). Invitae Evidence Modeling of protein sequence and biophysical properties (such as structural, functional, and spatial information, amino acid conservation, physicochemical variation, residue mobility, and thermodynamic stability) indicates that this missense variant is not expected to disrupt GLDC protein function with a negative predictive value of 80%. In summary, the available evidence is currently insufficient to determine the role of this variant in disease. Therefore, it has been classified as a Variant of Uncertain Significance.